The following is an entry in ClinVar:

NM_006009.4(TUBA1A):c.661C>T (p.Arg221Cys)

Gene: TUBA1A (tubulin alpha 1a; minus strand). Cytogenetic location: 12q13.12.
Variant type: single nucleotide variant.
Coding change: c.661C>T on transcript NM_006009.4 (MANE Select); coding-DNA position 661, C replaced by T.
Protein change: p.Arg221Cys; replaces arginine 221 with cysteine.
Molecular consequence: missense variant.
Genome position (GRCh38, 1-based): chr12:49,185,705, G>A on the plus strand (C>T on the coding strand, the complement: TUBA1A is on the minus strand). VCF-style: chr12-49185705-G-A. GRCh37 (hg19) VCF-style: chr12-49579488-G-A.
Other names: c.661C>T, p.Arg221Cys (NM_001270399.2); c.556C>T, p.Arg186Cys (NM_001270400.2); short protein forms R186C, R221C.
Identifiers: ClinVar variation 3906528 (VCV003906528.1).
Genomic context (GRCh38, chr12:49,185,705, plus strand): 5'-AAGCAGTGATGGAGGACACAATTTGACCTATTAACCTATTCAGGTTAGTATAGGTTGGAC[G>A]CTCAATATCGAGGTTTCTACGACAGATGTCATAGATGGCCTCATTGTCTACCATGAAGGC-3'
Protein context (NP_006000.2, residues 211-231): DICRRNLDIE[Arg221Cys]PTYTNLNRLI

ClinVar aggregate classification (germline): Pathogenic (1 of 4 stars; one submission).

gnomAD v4.1: 2 of 1,614,036 alleles (0.00012%); highest among the groups gnomAD compares: Non-Finnish European, 0.00017%; no homozygotes.

Submission:

GeneDx
Classification: Pathogenic. Last evaluated: 2024-12-22. Review status: criteria provided, single submitter. Criteria: GeneDx Variant Classification Process June 2021. Collection method: clinical testing. Allele origin: germline. Affected: yes.
Comment: Not observed at significant frequency in large population cohorts (gnomAD); Missense variants in this gene are a common cause of disease and they are underrepresented in the general population; In silico analysis supports that this missense variant has a deleterious effect on protein structure/function; Has not been previously published as pathogenic or benign to our knowledge